The following is an entry in ClinVar:

ClinVar aggregate classification (germline): Conflicting classifications of pathogenicity. Review status: criteria provided, conflicting classifications (1 of 4 stars). 3 submissions from 3 submitters: Uncertain significance (2); Likely benign (1). Last evaluated 2025-02-14.

gnomAD v4.1: 224 of 1,610,626 alleles (0.014%); highest among the groups gnomAD compares: Middle Eastern, 0.016%; 5 homozygotes.

Submissions (3):

Mayo Clinic Laboratories, Mayo Clinic
Classification: Likely benign. Last evaluated: 2025-02-14. Review status: criteria provided, single submitter. Criteria: ACMG Guidelines, 2015. Collection method: clinical testing. Allele origin: germline. Observed: 1 variant allele.
Comment: BP1, BP4

Ambry Genetics
Classification: Uncertain significance. Last evaluated: 2021-08-12. Review status: criteria provided, single submitter. Criteria: Ambry Variant Classification Scheme 2023. Collection method: clinical testing. Allele origin: germline.

Center for Genomics, Ann and Robert H. Lurie Children's Hospital of Chicago
Classification: Uncertain significance. Last evaluated: 2021-03-30. Review status: criteria provided, single submitter. Criteria: ACMG Guidelines, 2015. Collection method: clinical testing. Allele origin: germline.
Comment: CFHR4 NM_001201550.2 exon 4 p.Ser199Phe (c.596C>T): This variant has not been reported in the literature but is present in 0.6% (65/10304) of Ashkenazi Jewish alleles in the Genome Aggregation Database. Evolutionary conservation for this variant is limited or unavailable; computational predictive tools for this variant are unclear. In summary, data on this variant is insufficient for disease classification. Therefore, the clinical significance of this variant is uncertain.

NM_001201550.3(CFHR4):c.596C>T (p.Ser199Phe)

Gene: CFHR4 (complement factor H related 4; plus strand). Cytogenetic location: 1q31.3.
Variant type: single nucleotide variant.
Coding change: c.596C>T on transcript NM_001201550.3 (MANE Select); coding-DNA position 596, C replaced by T.
Protein change: p.Ser199Phe; replaces serine 199 with phenylalanine.
Molecular consequence: missense variant. On other transcripts: intron variant (1).
Genome position (GRCh38, 1-based): chr1:196,907,017, C>T. VCF-style: chr1-196907017-C-T. GRCh37 (hg19) VCF-style: chr1-196876147-C-T.
Other names: p.Ser198Phe; c.593C>T, p.Ser198Phe (NM_001201551.2); c.256+4402C>T (NM_006684.5); short protein forms S198F, S199F.
Identifiers: ClinVar variation 2350346 (VCV002350346.4), dbSNP rs199731883, ClinGen allele CA1306864.